The following is an entry in ClinVar:

NM_020778.5(ALPK3):c.3407A>G (p.Glu1136Gly)

Gene: ALPK3 (alpha kinase 3; plus strand). Cytogenetic location: 15q25.3.
Variant type: single nucleotide variant.
Coding change: c.3407A>G on transcript NM_020778.5 (MANE Select); coding-DNA position 3407, A replaced by G.
Protein change: p.Glu1136Gly; replaces glutamic acid 1136 with glycine.
Molecular consequence: missense variant.
Genome position (GRCh38, 1-based): chr15:84,858,145, A>G. VCF-style: chr15-84858145-A-G. GRCh37 (hg19) VCF-style: chr15-85401376-A-G.
Other names: short protein forms E1136G.
Identifiers: ClinVar variation 3653978 (VCV003653978.2).

ClinVar aggregate classification (germline): Uncertain significance (1 of 4 stars; one submission).

Submission:

Labcorp Genetics (formerly Invitae), Labcorp
Classification: Uncertain significance. Last evaluated: 2024-05-21. Review status: criteria provided, single submitter. Criteria: Invitae Variant Classification Sherloc (09022015). Collection method: clinical testing. Allele origin: germline.
Comment: This sequence change replaces glutamic acid, which is acidic and polar, with glycine, which is neutral and non-polar, at codon 1338 of the ALPK3 protein (p.Glu1338Gly). This variant is not present in population databases (gnomAD no frequency). This variant has not been reported in the literature in individuals affected with ALPK3-related conditions. An algorithm developed to predict the effect of missense changes on protein structure and function (PolyPhen-2) suggests that this variant is likely to be tolerated. In summary, the available evidence is currently insufficient to determine the role of this variant in disease. Therefore, it has been classified as a Variant of Uncertain Significance.